The following is an entry in ClinVar:

ClinVar aggregate classification (germline): Conflicting classifications of pathogenicity. Review status: criteria provided, conflicting classifications (1 of 4 stars). 4 submissions from 4 submitters: Uncertain significance (1); Likely benign (1). 2 of the submissions do not count toward it. Last evaluated 2022-04-18.

Conditions:
Hereditary breast ovarian cancer syndrome. Also called: Hereditary breast and ovarian cancer syndrome (HBOC); BRCA1- and BRCA2-Associated Hereditary Breast and Ovarian Cancer; Hereditary breast and/or ovarian cancer syndrome; Hereditary breast and ovarian cancer syndrome; Hereditary breast and ovarian cancer; Breast and ovarian cancer. Identifiers: Orphanet 145, MedGen C0677776, MeSH D061325, MONDO:0003582. Disease mechanism: loss of function.
Hereditary cancer-predisposing syndrome. Also called: Neoplastic Syndromes, Hereditary; Hereditary neoplastic syndrome; Tumor predisposition; Hereditary Cancer Syndrome. Identifiers: Orphanet 140162, MedGen C0027672, MeSH D009386, MONDO:0015356.

Allele frequency attached by ClinVar (database versions not stated): gnomAD exomes below 0.00001; TOPMed 0.00001.
gnomAD v4.1: 1 of 1,611,708 alleles (0.000062%); highest among the groups gnomAD compares: Non-Finnish European, 0.000085%; no homozygotes.

Submissions (5):

Ambry Genetics
Classification: Likely benign for Hereditary cancer-predisposing syndrome. Last evaluated: 2022-04-18. Review status: criteria provided, single submitter. Criteria: Ambry Variant Classification Scheme 2023. Collection method: clinical testing. Allele origin: germline.

Labcorp Genetics (formerly Invitae), Labcorp
Classification: Uncertain significance for Hereditary breast ovarian cancer syndrome. Last evaluated: 2018-06-19. Review status: criteria provided, single submitter. Criteria: Invitae Variant Classification Sherloc (09022015). Collection method: clinical testing. Allele origin: germline.
Comment: Algorithms developed to predict the effect of missense changes on protein structure and function (SIFT, PolyPhen-2, Align-GVGD) all suggest that this variant is likely to be tolerated, but these predictions have not been confirmed by published functional studies. In summary, this variant is a rare missense change that is not predicted to affect protein function. The available evidence is currently insufficient to determine its role in disease. Therefore, it has been classified as a Variant of Uncertain Significance. This variant has been reported in individuals affected with breast cancer in the Leiden Open-source Variation Database (PMID: 21520333). However, in one of these individuals a pathogenic allele was also identified in BRCA2, which suggests that this c.5167A>G variant was not the primary cause of disease. This sequence change replaces isoleucine with valine at codon 1723 of the BRCA1 protein (p.Ile1723Val). The isoleucine residue is moderately conserved and there is a small physicochemical difference between isoleucine and valine. This variant is not present in population databases (ExAC no frequency).

Brotman Baty Institute, University of Washington
No classification provided (evidence only). Condition: Breast-ovarian cancer, familial 1. Review status: no classification provided. Collection method: in vitro. Allele origin: not applicable. Functional consequence: functionally_normal. Not counted in ClinVar's aggregate classification.
ClinVar note: "not provided" was previously submitted as the classification for the variant. However, the classification appeared to be based only on an observation of functional data so it was converted to no classification on 2025-07-30.

Clinical Genetics DNA and cytogenetics Diagnostics Lab, Erasmus MC, Erasmus Medical Center
Classification: Likely benign. Review status: no assertion criteria provided. Collection method: clinical testing. Allele origin: germline. Affected: yes. Study: VKGL Data-share Consensus. Not counted in ClinVar's aggregate classification.

Joint Genome Diagnostic Labs from Nijmegen and Maastricht, Radboudumc and MUMC+
Classification: Likely benign. Review status: no assertion criteria provided. Collection method: clinical testing. Allele origin: germline. Affected: yes. Study: VKGL Data-share Consensus. Not counted in ClinVar's aggregate classification.

Literature cited by the submitters: PubMed 30209399 (cited by Ambry Genetics); PubMed 21520333 (cited by Labcorp Genetics (formerly Invitae), Labcorp).

NM_007294.4(BRCA1):c.5167A>G (p.Ile1723Val)

Gene: BRCA1 (BRCA1 DNA repair associated; minus strand). Cytogenetic location: 17q21.31.
Variant type: single nucleotide variant.
Coding change: c.5167A>G on transcript NM_007294.4 (MANE Select); coding-DNA position 5167, A replaced by G.
Protein change: p.Ile1723Val; replaces isoleucine 1723 with valine.
Molecular consequence: missense variant. On other transcripts: non-coding transcript variant (1).
Genome position (GRCh38, 1-based): chr17:43,063,359, T>C on the plus strand (A>G on the coding strand, the complement: BRCA1 is on the minus strand). VCF-style: chr17-43063359-T-C. GRCh37 (hg19) VCF-style: chr17-41215376-T-C.
Other names: c.4954A>G, p.Ile1652Val (NM_001407910.1, NM_001407571.1, NM_001407906.1 and 12 more transcripts); c.4951A>G, p.Ile1651Val (NM_001407915.1, NM_001407916.1, NM_001407917.1 and 1 more transcripts); c.4900A>G, p.Ile1634Val (NM_001407929.1, NM_001407930.1, NM_001407931.1 and 4 more transcripts); c.4897A>G, p.Ile1633Val (NM_001407934.1, NM_001407935.1, NM_001407936.1); c.5044A>G, p.Ile1682Val (NM_001407937.1, NM_001407664.1, NM_001407665.1 and 6 more transcripts); c.4834A>G, p.Ile1612Val (NM_001407948.1, NM_001407949.1, NM_001407946.1 and 1 more transcripts); c.4831A>G, p.Ile1611Val (NM_001407950.1, NM_001407951.1, NM_001407952.1 and 3 more transcripts); c.4828A>G, p.Ile1610Val (NM_001407956.1, NM_001407957.1, NM_001407958.1); and 72 more; short protein forms I1723V, I1676V, I619V, I1744V, I1426V, I1427V, I1554V, I1652V.
Identifiers: ClinVar variation 462662 (VCV000462662.15), dbSNP rs1426821558, ClinGen allele CA10591212.